The following is an entry in ClinVar:

NM_171998.4(RAB39B):c.43G>A (p.Gly15Arg)

Gene: RAB39B (RAB39B, member RAS oncogene family; minus strand). Cytogenetic location: Xq28.
Variant type: single nucleotide variant.
Coding change: c.43G>A on transcript NM_171998.4 (MANE Select); coding-DNA position 43, G replaced by A.
Protein change: p.Gly15Arg; replaces glycine 15 with arginine.
Molecular consequence: missense variant.
Genome position (GRCh38, 1-based): chrX:155,264,246, C>T on the plus strand (G>A on the coding strand, the complement: RAB39B is on the minus strand). VCF-style: chrX-155264246-C-T. GRCh37 (hg19) VCF-style: chrX-154493531-C-T.
Other names: short protein forms G15R.
Identifiers: ClinVar variation 3382481 (VCV003382481.2).
Genomic context (GRCh38, chrX:155,264,246, plus strand): 5'-GGGCAAAGCGACCCTCGGTGAAGCGGCGGATCAGGCAGGACTTGCCCACTGTGGAATCCC[C>T]GATGACAATGAGCCGGAACTGGTACAGCCAGATGGCCTCCATGGCCGCGGCTCTGCAGGT-3'
Protein context (NP_741995.1, residues 5-25): WLYQFRLIVI[Gly15Arg]DSTVGKSCLI

ClinVar aggregate classification (germline): Uncertain significance (1 of 4 stars; one submission).

Conditions:
Early-onset parkinsonism-intellectual disability syndrome (WSMN). Also called: BASAL GANGLION DISORDER WITH MENTAL RETARDATION; X-linked recessive basal ganglia disorder with mental retardation; Laxova Brown Hogan syndrome; Basal ganglia disorder with mental retardation. Identifiers: Orphanet 2379, MedGen C0796195, MONDO:0010709, OMIM 311510.
Intellectual developmental disorder, X-linked 72. Also called: Intellectual disability, X-linked 72. Identifiers: Orphanet 777, MedGen C1846038, MONDO:0010289, OMIM 300271.

Submission:

Juno Genomics, Hangzhou Juno Genomics, Inc
Classification: Uncertain significance for Intellectual developmental disorder, X-linked 72; Early-onset parkinsonism-intellectual disability syndrome. Review status: criteria provided, single submitter. Criteria: ACMG Guidelines, 2015. Collection method: clinical testing. Allele origin: germline. Affected: yes.
Comment: Absent from controls (or at extremely low frequency if recessive) in Genome Aggregation Database, Exome Sequencing Project, 1000 Genomes Project, or Exome Aggregation Consortium.;Multiple lines of computational evidence support a deleterious effect on the gene or gene product (conservation, evolutionary, splicing impact, etc).